The following is an entry in ClinVar:

ClinVar aggregate classification (germline): Pathogenic (1 of 4 stars; one submission).

Conditions:
Hereditary spastic paraplegia 28. Also called: Spastic paraplegia 28, autosomal recessive. Identifiers: Orphanet 101008, MedGen C1836295, MONDO:0012256, OMIM 609340.

Submission:

Labcorp Genetics (formerly Invitae), Labcorp
Classification: Pathogenic for Hereditary spastic paraplegia 28. Last evaluated: 2024-11-04. Review status: criteria provided, single submitter. Criteria: Invitae Variant Classification Sherloc (09022015). Collection method: clinical testing. Allele origin: germline.
Comment: This sequence change creates a premature translational stop signal (p.Glu62Asnfs*98) in the DDHD1 gene. It is expected to result in an absent or disrupted protein product. Loss-of-function variants in DDHD1 are known to be pathogenic (PMID: 23176821, 24989667, 26944165, 27216551). This variant is not present in population databases (gnomAD no frequency). This variant has not been reported in the literature in individuals affected with DDHD1-related conditions. ClinVar contains an entry for this variant (Variation ID: 2020629). For these reasons, this variant has been classified as Pathogenic.

Literature cited by the submitters: PubMed 23176821; PubMed 24989667; PubMed 26944165; PubMed 27216551.

NM_001160148.2(DDHD1):c.184del (p.Glu62fs)

Gene: DDHD1 (DDHD domain containing 1; minus strand). Cytogenetic location: 14q22.1.
Variant type: Deletion.
Coding change: c.184del on transcript NM_001160148.2 (MANE Select); coding-DNA position 184, one base deleted (G; older notation c.184delG).
Protein change: p.Glu62fs; shifts the reading frame from glutamic acid 62.
Molecular consequence: frameshift variant.
Genome position (GRCh38, 1-based): chr14:53,152,915, C deleted on the plus strand (G on the coding strand, the reverse complement: DDHD1 is on the minus strand); the first of 4 consecutive C bases (chr14:53,152,915-53,152,918); deleting any one gives the same sequence. VCF-style (leftmost placement, unchanged base first): chr14-53152914-TC-T. GRCh37 (hg19) VCF-style: chr14-53619632-TC-T.
Other names: c.184del, p.Glu62fs (NM_001160147.2, NM_030637.3); short protein forms E62fs.
Identifiers: ClinVar variation 2020629 (VCV002020629.4), dbSNP rs2503574858, ClinGen allele CA2580088247.
Genomic context (GRCh38, chr14:53,152,914, plus strand): 5'-GGGTCCAGCGCGAGGTGGTGGTTGTGGTCGTCGGTGCCCGGCGCCAAATGCAGCCCGGGT[TC>T]CCCGCGCAGCAGGGCCAGGGGCACGTCGCCGTCGTCCGGGTCCCCGCCGGGCAGGTGCTC-3'